The following is an entry in ClinVar:

NM_001134407.3(GRIN2A):c.252G>T (p.Thr84=)

Gene: GRIN2A (glutamate ionotropic receptor NMDA type subunit 2A; minus strand). Cytogenetic location: 16p13.2.
Variant type: single nucleotide variant.
Coding change: c.252G>T on transcript NM_001134407.3 (MANE Select); coding-DNA position 252, G replaced by T.
Protein change: p.Thr84=; no amino-acid change (threonine 84 retained).
Molecular consequence: synonymous variant.
Genome position (GRCh38, 1-based): chr16:10,180,160, C>A on the plus strand (G>T on the coding strand, the complement: GRIN2A is on the minus strand). VCF-style: chr16-10180160-C-A. GRCh37 (hg19) VCF-style: chr16-10274017-C-A.
Other names: c.252G>T, p.Thr84= (NM_000833.5, NM_001134408.2).
Identifiers: ClinVar variation 510049 (VCV000510049.13), dbSNP rs140136379, ClinGen allele CA7897017.

ClinVar aggregate classification (germline): Likely benign. Review status: criteria provided, multiple submitters, no conflicts (2 of 4 stars). 3 submissions from 3 submitters: Likely benign (3). Last evaluated 2024-08-05.

Conditions:
Landau-Kleffner syndrome (FESD). Also called: EPILEPSY, FOCAL, WITH SPEECH DISORDER AND WITH OR WITHOUT MENTAL RETARDATION; APHASIA, ACQUIRED, WITH EPILEPSY. Identifiers: Orphanet 1945, Orphanet 725, Orphanet 98818, MedGen C0282512, MONDO:0009509, OMIM 245570.

Allele frequency attached by ClinVar (database versions not stated): gnomAD 0.00004; TOPMed 0.00005; ESP Exome Variant Server 0.00008.
gnomAD v4.1: 127 of 1,614,064 alleles (0.0079%); highest among the groups gnomAD compares: Non-Finnish European, 0.01%; no homozygotes.

Submissions (3):

Blueprint Genetics
Classification: Likely benign. Last evaluated: 2024-08-05. Review status: criteria provided, single submitter. Criteria: ACMG Guidelines, 2015. Collection method: clinical testing. Allele origin: germline.

Labcorp Genetics (formerly Invitae), Labcorp
Classification: Likely benign for Landau-Kleffner syndrome. Last evaluated: 2024-01-17. Review status: criteria provided, single submitter. Criteria: Invitae Variant Classification Sherloc (09022015). Collection method: clinical testing. Allele origin: germline.

GeneDx
Classification: Likely benign. Last evaluated: 2017-06-07. Review status: criteria provided, single submitter. Criteria: GeneDx Variant Classification (06012015). Collection method: clinical testing. Allele origin: germline. Affected: yes.
Comment: This variant is considered likely benign or benign based on one or more of the following criteria: it is a conservative change, it occurs at a poorly conserved position in the protein, it is predicted to be benign by multiple in silico algorithms, and/or has population frequency not consistent with disease.